The following is an entry in ClinVar:

ClinVar aggregate classification (germline): Pathogenic (1 of 4 stars; one submission).

Conditions:
CEDNIK syndrome. Also called: CEREBRAL DYSGENESIS, NEUROPATHY, ICHTHYOSIS, AND PALMOPLANTAR KERATODERMA SYNDROME; Cerebral dysgenesis, neuropathy, ichthyosis, and palmoplantar keratoderma. Identifiers: Orphanet 66631, MedGen C1836033, MONDO:0012290, OMIM 609528.

Submission:

Women's Health and Genetics/Laboratory Corporation of America, LabCorp
Classification: Pathogenic for CEDNIK syndrome. Last evaluated: 2026-05-05. Review status: criteria provided, single submitter. Criteria: LabCorp Variant Classification Summary - May 2015. Collection method: clinical testing. Allele origin: germline.
Comment: Variant summary: The variant involves the deletion of exons 1-5 in the SNAP29 gene. A presumed nomenclature of c.(?_-105)_(*3379_?)del has been designated for the purposes of this classification. This deletion includes the entire coding sequence of the gene. As the exact proximal and distal breakpoints are unknown, it may extend beyond the annotated region of the gene to include other flanking genes. A similar deletion of the entire SNAP29 gene was found at a frequency of 0.00014 in 21694 control chromosomes. c.(?_-105)_(*3379_?)del has been observed in individual(s) affected with CEDNIK syndrome (Nunes_2022). To our knowledge, no experimental evidence demonstrating an impact on protein function has been reported. No submitters have cited clinical-significance assessments for this variant to ClinVar. Based on the evidence outlined above, the variant was classified as pathogenic.

Literature cited by the submitters: PubMed 35093605.

NC_000022.10:g.(?_21213294)_(21245503_?)del

Gene: SNAP29 (synaptosome associated protein 29; plus strand). Cytogenetic location: 22q11.21.
Variant type: Deletion.
Identifiers: ClinVar variation 4853565 (VCV004853565.1).